The following is an entry in ClinVar:

NM_030777.4(SLC2A10):c.648C>G (p.Tyr216Ter)

Gene: SLC2A10 (solute carrier family 2 member 10; plus strand). Cytogenetic location: 20q13.12.
Variant type: single nucleotide variant.
Coding change: c.648C>G on transcript NM_030777.4 (MANE Select); coding-DNA position 648, C replaced by G.
Protein change: p.Tyr216Ter; replaces tyrosine 216 with a stop codon.
Molecular consequence: nonsense.
Genome position (GRCh38, 1-based): chr20:46,725,684, C>G. VCF-style: chr20-46725684-C-G. GRCh37 (hg19) VCF-style: chr20-45354323-C-G.
Other names: short protein forms Y216*.
Identifiers: ClinVar variation 467819 (VCV000467819.12), dbSNP rs1015798796, ClinGen allele CA315755913.

ClinVar aggregate classification (germline): Pathogenic/Likely pathogenic. Review status: criteria provided, multiple submitters, no conflicts (2 of 4 stars). 5 submissions from 5 submitters: Pathogenic (3); Likely pathogenic (1). 1 of the submissions does not count toward it. Last evaluated 2026-02-03.

Conditions:
Arterial tortuosity syndrome (ATORS). Identifiers: Orphanet 3342, MedGen C1859726, MONDO:0008818, OMIM 208050.
Familial thoracic aortic aneurysm and aortic dissection (TAAD). Also called: Thoracic aortic aneurysms and dissections. Identifiers: Orphanet 91387, MedGen C4707243, MONDO:0019625.

Allele frequency attached by ClinVar (database versions not stated): gnomAD 0.00001; TOPMed 0.00002; gnomAD exomes 0.00001.
gnomAD v4.1: 19 of 1,613,964 alleles (0.0012%); highest among the groups gnomAD compares: Non-Finnish European, 0.0014%; no homozygotes.

Submissions (5):

Dasa
Classification: Pathogenic. Last evaluated: 2026-02-03. Review status: criteria provided, single submitter. Criteria: DASA Assertion Criteria. Collection method: clinical testing. Allele origin: germline.
Comment: NM_030777.4(SLC2A10):c.648C>G (p.Tyr216*) introduces a premature termination codon predicted to result in loss of normal protein function. Loss-of-function is an established mechanism of disease for this gene. This variant has been reported in an affected individual with related phenotype in a genotype context consistent with recessive disease (PMID: 29543232). The variant is present at low frequency in population datasets. Based on the available data, this variant is classified as pathogenic.

Labcorp Genetics (formerly Invitae), Labcorp
Classification: Pathogenic for Arterial tortuosity syndrome. Last evaluated: 2026-01-14. Review status: criteria provided, single submitter. Criteria: Invitae Variant Classification Sherloc (09022015). Collection method: clinical testing. Allele origin: germline.
Comment: This sequence change creates a premature translational stop signal (p.Tyr216*) in the SLC2A10 gene. It is expected to result in an absent or disrupted protein product. Loss-of-function variants in SLC2A10 are known to be pathogenic (PMID: 17935213, 22488877, 23494979). This variant is not present in population databases (gnomAD no frequency). This variant has not been reported in the literature in individuals affected with SLC2A10-related conditions. ClinVar contains an entry for this variant (Variation ID: 467819). For these reasons, this variant has been classified as Pathogenic.

Ambry Genetics
Classification: Pathogenic for Familial thoracic aortic aneurysm and aortic dissection. Last evaluated: 2023-03-01. Review status: criteria provided, single submitter. Criteria: Ambry Variant Classification Scheme 2023. Collection method: clinical testing. Allele origin: germline.
Comment: The p.Y216* pathogenic mutation (also known as c.648C>G), located in coding exon 2 of the SLC2A10 gene, results from a C to G substitution at nucleotide position 648. This changes the amino acid from a tyrosine to a stop codon within coding exon 2. This variant has been detected in an individual with aortic aneurysm who also had a variant in the MYH11 gene (Weerakkody R et al. Genet Med, 2018 Nov;20:1414-1422). This variant is considered to be rare based on population cohorts in the Genome Aggregation Database (gnomAD). This alteration is expected to result in loss of function by premature protein truncation or nonsense-mediated mRNA decay. As such, this alteration is interpreted as a disease-causing mutation.

Fulgent Genetics
Classification: Likely pathogenic for Arterial tortuosity syndrome. Last evaluated: 2021-11-01. Review status: criteria provided, single submitter. Criteria: ACMG Guidelines, 2015. Collection method: clinical testing. Allele origin: unknown.

Centre for Genomic and Experimental Medicine, University of Edinburgh
Classification: Pathogenic for Familial thoracic aortic aneurysm and aortic dissection. Review status: no assertion criteria provided. Collection method: research. Allele origin: unknown. Affected: yes. Not counted in ClinVar's aggregate classification.

Literature cited by the submitters: PubMed 29543232 (cited by Dasa and Ambry Genetics); PubMed 17935213 (cited by Labcorp Genetics (formerly Invitae), Labcorp); PubMed 22488877 (cited by Labcorp Genetics (formerly Invitae), Labcorp); PubMed 23494979 (cited by Labcorp Genetics (formerly Invitae), Labcorp).